The following is an entry in ClinVar:

ClinVar aggregate classification (germline): Likely benign. Review status: criteria provided, multiple submitters, no conflicts (2 of 4 stars). 4 submissions from 4 submitters: Likely benign (4). Last evaluated 2025-04-27.

Conditions:
Catecholaminergic polymorphic ventricular tachycardia (CVPT). Also called: Catecholamine-induced polymorphic ventricular tachycardia. Identifiers: Orphanet 3286, MedGen C5574922, MONDO:0017990.
Cardiomyopathy (CMYO). Also called: Cardiomyopathies. Identifiers: Orphanet 167848, MedGen C0878544, MONDO:0004994, HP:0001638. Inheritance: Various modes of inheritance.
Catecholaminergic polymorphic ventricular tachycardia 1. Also called: RYR2-Related Catecholaminergic Polymorphic Ventricular Tachycardia; VENTRICULAR TACHYCARDIA, STRESS-INDUCED POLYMORPHIC 1; VENTRICULAR TACHYCARDIA, CATECHOLAMINERGIC POLYMORPHIC, 1, WITH OR WITHOUT ATRIAL DYSFUNCTION AND/OR DILATED CARDIOMYOPATHY. Identifiers: Orphanet 3286, MedGen C1631597, MONDO:0011484, OMIM 604772.

Allele frequency attached by ClinVar (database versions not stated): gnomAD exomes 0.00001; gnomAD 0.00002; TOPMed 0.00002; ExAC 0.00003.
gnomAD v4.1: 59 of 1,574,474 alleles (0.0037%); highest among the groups gnomAD compares: Non-Finnish European, 0.0048%; no homozygotes.

Submissions (4):

Labcorp Genetics (formerly Invitae), Labcorp
Classification: Likely benign for Catecholaminergic polymorphic ventricular tachycardia 1. Last evaluated: 2025-04-27. Review status: criteria provided, single submitter. Criteria: Invitae Variant Classification Sherloc (09022015). Collection method: clinical testing. Allele origin: germline.

Blueprint Genetics
Classification: Likely benign. Last evaluated: 2024-11-08. Review status: criteria provided, single submitter. Criteria: ACMG Guidelines, 2015. Collection method: clinical testing. Allele origin: germline.

All of Us Research Program, National Institutes of Health
Classification: Likely benign for Catecholaminergic polymorphic ventricular tachycardia. Last evaluated: 2023-12-18. Review status: criteria provided, single submitter. Criteria: ACMG Guidelines, 2015. Collection method: clinical testing. Allele origin: germline. Inheritance: Autosomal dominant inheritance. Observed: 7 variant alleles, 7 heterozygotes.
Comment: This study involves interpretation of variants in research participants for the purpose of population health screening. Participant phenotype was not available at the time of variant classification. Additional details can be found in publication PMID: 35346344, PMCID: PMC8962531

Color Diagnostics, LLC DBA Color Health
Classification: Likely benign for Cardiomyopathy. Last evaluated: 2018-11-16. Review status: criteria provided, single submitter. Criteria: ACMG Guidelines, 2015. Collection method: clinical testing. Allele origin: germline.

NM_001035.3(RYR2):c.4684-15C>T

Gene: RYR2 (ryanodine receptor 2; plus strand). Cytogenetic location: 1q43.
Variant type: single nucleotide variant.
Coding change: c.4684-15C>T on transcript NM_001035.3 (MANE Select); 15 bases into the intron before coding-DNA position 4684, C replaced by T.
Molecular consequence: intron variant.
Genome position (GRCh38, 1-based): chr1:237,610,747, C>T. VCF-style: chr1-237610747-C-T. GRCh37 (hg19) VCF-style: chr1-237774047-C-T.
Identifiers: ClinVar variation 925582 (VCV000925582.13), dbSNP rs201780507, ClinGen allele CA086696.